The following is an entry in ClinVar:

NM_182925.5(FLT4):c.3525C>A (p.Gly1175=)

Gene: FLT4 (fms related receptor tyrosine kinase 4; minus strand). Cytogenetic location: 5q35.3.
Variant type: single nucleotide variant.
Coding change: c.3525C>A on transcript NM_182925.5 (MANE Select); coding-DNA position 3525, C replaced by A.
Protein change: p.Gly1175=; no amino-acid change (glycine 1175 retained).
Molecular consequence: synonymous variant.
Genome position (GRCh38, 1-based): chr5:180,612,518, G>T on the plus strand (C>A on the coding strand, the complement: FLT4 is on the minus strand). VCF-style: chr5-180612518-G-T. GRCh37 (hg19) VCF-style: chr5-180039518-G-T.
Other names: c.3525C>A, p.Gly1175= (NM_001354989.2, NM_002020.5).
Identifiers: ClinVar variation 2656153 (VCV002656153.24), dbSNP rs1363156880, ClinGen allele CA448101600.

ClinVar aggregate classification (germline): Likely benign (1 of 4 stars; one submission).

Allele frequency attached by ClinVar (database versions not stated): gnomAD exomes below 0.00001.
gnomAD v4.1: 3 of 1,612,296 alleles (0.00019%); highest among the groups gnomAD compares: East Asian, 0.0067%; no homozygotes.

Submission:

CeGaT Center for Human Genetics Tuebingen
Classification: Likely benign. Last evaluated: 2023-08-01. Review status: criteria provided, single submitter. Criteria: CeGaT Center For Human Genetics Tuebingen Variant Classification Criteria Version 2. Collection method: clinical testing. Allele origin: germline. Affected: yes. Observed: 1 variant allele.
Comment: FLT4: BP4, BP7